The following is an entry in ClinVar:

NM_005591.4(MRE11):c.721G>A (p.Val241Ile)

Gene: MRE11 (MRE11 double strand break repair nuclease; minus strand). Cytogenetic location: 11q21.
Variant type: single nucleotide variant.
Coding change: c.721G>A on transcript NM_005591.4 (MANE Select); coding-DNA position 721, G replaced by A.
Protein change: p.Val241Ile; replaces valine 241 with isoleucine.
Molecular consequence: missense variant.
Genome position (GRCh38, 1-based): chr11:94,471,698, C>T on the plus strand (G>A on the coding strand, the complement: MRE11 is on the minus strand). VCF-style: chr11-94471698-C-T. GRCh37 (hg19) VCF-style: chr11-94204864-C-T.
Other names: c.721G>A, p.Val241Ile (NM_001330347.2, NM_005590.4); short protein forms V241I.
Identifiers: ClinVar variation 1800130 (VCV001800130.2), dbSNP rs1946718176, ClinGen allele CA382375826.

ClinVar aggregate classification (germline): Uncertain significance (1 of 4 stars; one submission).

Conditions:
Hereditary cancer-predisposing syndrome. Also called: Neoplastic Syndromes, Hereditary; Tumor predisposition; Hereditary Cancer Syndrome; Hereditary neoplastic syndrome. Identifiers: Orphanet 140162, MedGen C0027672, MeSH D009386, MONDO:0015356.

Allele frequency attached by ClinVar (database versions not stated): gnomAD exomes below 0.00001.

Submission:

Ambry Genetics
Classification: Uncertain significance for Hereditary cancer-predisposing syndrome. Last evaluated: 2022-06-28. Review status: criteria provided, single submitter. Criteria: Ambry Variant Classification Scheme 2023. Collection method: clinical testing. Allele origin: germline.
Comment: The p.V241I variant (also known as c.721G>A), located in coding exon 7 of the MRE11A gene, results from a G to A substitution at nucleotide position 721. The valine at codon 241 is replaced by isoleucine, an amino acid with highly similar properties. This amino acid position is conserved. In addition, this alteration is predicted to be tolerated by in silico analysis. Since supporting evidence is limited at this time, the clinical significance of this alteration remains unclear.